The following is an entry in ClinVar:

NM_001457.4(FLNB):c.6080C>T (p.Thr2027Ile)

Gene: FLNB (filamin B; plus strand). Cytogenetic location: 3p14.3.
Variant type: single nucleotide variant.
Coding change: c.6080C>T on transcript NM_001457.4 (MANE Select); coding-DNA position 6080, C replaced by T.
Protein change: p.Thr2027Ile; replaces threonine 2027 with isoleucine.
Molecular consequence: missense variant.
Genome position (GRCh38, 1-based): chr3:58,148,841, C>T. VCF-style: chr3-58148841-C-T. GRCh37 (hg19) VCF-style: chr3-58134568-C-T.
Other names: c.6173C>T, p.Thr2058Ile (NM_001164317.2); c.6047C>T, p.Thr2016Ile (NM_001164318.2); c.6008C>T, p.Thr2003Ile (NM_001164319.2); short protein forms T2058I, T2027I, T2003I, T2016I.
Identifiers: ClinVar variation 3635746 (VCV003635746.2).

ClinVar aggregate classification (germline): Uncertain significance (1 of 4 stars; one submission).

Submission:

Labcorp Genetics (formerly Invitae), Labcorp
Classification: Uncertain significance. Last evaluated: 2024-08-12. Review status: criteria provided, single submitter. Criteria: Invitae Variant Classification Sherloc (09022015). Collection method: clinical testing. Allele origin: germline.
Comment: This sequence change replaces threonine, which is neutral and polar, with isoleucine, which is neutral and non-polar, at codon 2027 of the FLNB protein (p.Thr2027Ile). This variant is not present in population databases (gnomAD no frequency). This variant has not been reported in the literature in individuals affected with FLNB-related conditions. Advanced modeling of protein sequence and biophysical properties (such as structural, functional, and spatial information, amino acid conservation, physicochemical variation, residue mobility, and thermodynamic stability) performed at Invitae indicates that this missense variant is not expected to disrupt FLNB protein function with a negative predictive value of 95%. In summary, the available evidence is currently insufficient to determine the role of this variant in disease. Therefore, it has been classified as a Variant of Uncertain Significance.